The following is an entry in ClinVar:

ClinVar aggregate classification (germline): Uncertain significance. Review status: criteria provided, multiple submitters, no conflicts (2 of 4 stars). 3 submissions from 3 submitters: Uncertain significance (3). Last evaluated 2024-06-17.

Conditions:
Hereditary cancer-predisposing syndrome. Also called: Hereditary neoplastic syndrome; Hereditary Cancer Syndrome; Neoplastic Syndromes, Hereditary; Tumor predisposition. Identifiers: Orphanet 140162, MedGen C0027672, MeSH D009386, MONDO:0015356.
Familial adenomatous polyposis 1 (FAP1). Also called: FAMILIAL ADENOMATOUS POLYPOSIS 1, ATTENUATED; POLYPOSIS, ADENOMATOUS INTESTINAL. Identifiers: MedGen C2713442, MONDO:0021056, OMIM 175100. Disease mechanism: loss of function.

Allele frequency attached by ClinVar (database versions not stated): TOPMed below 0.00001; gnomAD 0.00001.
gnomAD v4.1: 2 of 1,612,528 alleles (0.00012%); highest among the groups gnomAD compares: East Asian, 0.0022%; no homozygotes.

Submissions (3):

Labcorp Genetics (formerly Invitae), Labcorp
Classification: Uncertain significance for Familial adenomatous polyposis 1. Last evaluated: 2024-06-17. Review status: criteria provided, single submitter. Criteria: Invitae Variant Classification Sherloc (09022015). Collection method: clinical testing. Allele origin: germline.
Comment: This sequence change replaces leucine, which is neutral and non-polar, with phenylalanine, which is neutral and non-polar, at codon 2839 of the APC protein (p.Leu2839Phe). This variant is not present in population databases (gnomAD no frequency). This missense change has been observed in individual(s) with clinical features of familial adenomatous polyposis (FAP) (PMID: 1316610). ClinVar contains an entry for this variant (Variation ID: 229710). Advanced modeling of protein sequence and biophysical properties (such as structural, functional, and spatial information, amino acid conservation, physicochemical variation, residue mobility, and thermodynamic stability) performed at Invitae indicates that this missense variant is not expected to disrupt APC protein function with a negative predictive value of 95%. In summary, the available evidence is currently insufficient to determine the role of this variant in disease. Therefore, it has been classified as a Variant of Uncertain Significance.

Color Diagnostics, LLC DBA Color Health
Classification: Uncertain significance for Hereditary cancer-predisposing syndrome. Last evaluated: 2021-12-14. Review status: criteria provided, single submitter. Criteria: ACMG Guidelines, 2015. Collection method: clinical testing. Allele origin: germline.
Comment: This missense variant replaces leucine with phenylalanine at codon 2839 of the APC protein. Computational prediction is inconclusive regarding the impact of this variant on protein structure and function (internally defined REVEL score threshold 0.5 < inconclusive < 0.7, PMID: 27666373). To our knowledge, functional studies have not been reported for this variant. This variant has been reported in individuals affected with familial adenomatous polyposis (PMID: 1316610). This variant has not been identified in the general population by the Genome Aggregation Database (gnomAD) but has been reported in healthy control individuals (PMID: 32980694). The available evidence is insufficient to determine the role of this variant in disease conclusively. Therefore, this variant is classified as a Variant of Uncertain Significance.

Ambry Genetics
Classification: Uncertain significance for Hereditary cancer-predisposing syndrome. Last evaluated: 2019-06-12. Review status: criteria provided, single submitter. Criteria: Ambry Variant Classification Scheme 2023. Collection method: clinical testing. Allele origin: germline.
Comment: The p.L2839F variant (also known as c.8515C>T), located in coding exon 15 of the APC gene, results from a C to T substitution at nucleotide position 8515. The leucine at codon 2839 is replaced by phenylalanine, an amino acid with highly similar properties. This alteration was identified in 1/79 unrelated patients with a clinical diagnosis of Familial Adenomatous Polyposis (FAP). (Miyoshi Y et al. Proc. Natl. Acad. Sci. U.S.A., 1992 May;89:4452-6).This amino acid position is well conserved in available vertebrate species. In addition, in silico predictors for this gene do not accurately predict pathogenicity. Since supporting evidence is limited at this time, the clinical significance of this alteration remains unclear.

Literature cited by the submitters: PubMed 1316610 (cited by 3 submitters); PubMed 32980694 (cited by Color Diagnostics, LLC DBA Color Health).

NM_000038.6(APC):c.8515C>T (p.Leu2839Phe)

Gene: APC (APC regulator of Wnt signaling pathway; plus strand). Cytogenetic location: 5q22.2.
Variant type: single nucleotide variant.
Coding change: c.8515C>T on transcript NM_000038.6 (MANE Select); coding-DNA position 8515, C replaced by T.
Protein change: p.Leu2839Phe; replaces leucine 2839 with phenylalanine.
Molecular consequence: missense variant.
Genome position (GRCh38, 1-based): chr5:112,844,109, C>T. VCF-style: chr5-112844109-C-T. GRCh37 (hg19) VCF-style: chr5-112179806-C-T.
Other names: c.8515C>T, p.Leu2839Phe (NM_001354895.2, NM_001127510.3); c.8569C>T, p.Leu2857Phe (NM_001354896.2); c.8545C>T, p.Leu2849Phe (NM_001354897.2); c.8392C>T, p.Leu2798Phe (NM_001354900.2); c.8440C>T, p.Leu2814Phe (NM_001354898.2); c.8431C>T, p.Leu2811Phe (NM_001354899.2); c.8338C>T, p.Leu2780Phe (NM_001354901.2); c.8242C>T, p.Leu2748Phe (NM_001354902.2); and 5 more; short protein forms L2821F, L2839F, L2556F, L2713F, L2780F, L2798F, L2811F, L2857F.
Identifiers: ClinVar variation 229710 (VCV000229710.12), dbSNP rs876658156, ClinGen allele CA10578466.